The following is an entry in ClinVar:

NM_177438.3(DICER1):c.5741C>A (p.Ala1914Asp)

Gene: DICER1 (dicer 1, ribonuclease III; minus strand). Cytogenetic location: 14q32.13.
Variant type: single nucleotide variant.
Coding change: c.5741C>A on transcript NM_177438.3 (MANE Select); coding-DNA position 5741, C replaced by A.
Protein change: p.Ala1914Asp; replaces alanine 1914 with aspartic acid.
Molecular consequence: missense variant. On other transcripts: 3 prime UTR variant (1), non-coding transcript variant (6).
Genome position (GRCh38, 1-based): chr14:95,090,526, G>T on the plus strand (C>A on the coding strand, the complement: DICER1 is on the minus strand). VCF-style: chr14-95090526-G-T. GRCh37 (hg19) VCF-style: chr14-95556863-G-T.
Other names: c.*88C>A (NM_001195573.1); c.5741C>A, p.Ala1914Asp (NM_001271282.3, NM_001291628.2, NM_001395677.1 and 8 more transcripts); c.5459C>A, p.Ala1820Asp (NM_001395686.1); c.5336C>A, p.Ala1779Asp (NM_001395687.1, NM_001395688.1, NM_001395689.1 and 1 more transcripts); c.5174C>A, p.Ala1725Asp (NM_001395691.1); c.4058C>A, p.Ala1353Asp (NM_001395697.1); short protein forms A1779D, A1914D, A1725D, A1820D, A1353D.
Identifiers: ClinVar variation 1749393 (VCV001749393.2), dbSNP rs2542389896, ClinGen allele CA390862962.

ClinVar aggregate classification (germline): Uncertain significance (1 of 4 stars; one submission).

Conditions:
Hereditary cancer-predisposing syndrome. Also called: Hereditary Cancer Syndrome; Hereditary neoplastic syndrome; Neoplastic Syndromes, Hereditary; Tumor predisposition. Identifiers: Orphanet 140162, MedGen C0027672, MeSH D009386, MONDO:0015356.

Submission:

Ambry Genetics
Classification: Uncertain significance for Hereditary cancer-predisposing syndrome. Last evaluated: 2021-01-07. Review status: criteria provided, single submitter. Criteria: Ambry Variant Classification Scheme 2023. Collection method: clinical testing. Allele origin: germline.
Comment: The p.A1914D variant (also known as c.5741C>A), located in coding exon 26 of the DICER1 gene, results from a C to A substitution at nucleotide position 5741. The alanine at codon 1914 is replaced by aspartic acid, an amino acid with dissimilar properties. This missense alteration is located in a region that has a low rate of benign missense variation (Lek M et al. Nature. 2016 Aug 18;536(7616):285-91; DECIPHER: Database of Chromosomal Imbalance and Phenotype in Humans using Ensembl Resources. Firth H.V. et al. 2009. Am.J.Hum.Genet. 84, 524-533 (DOI)). This amino acid position is highly conserved in available vertebrate species. In addition, this alteration is predicted to be deleterious by in silico analysis. Since supporting evidence is limited at this time, the clinical significance of this alteration remains unclear.